The following is an entry in ClinVar:

NM_001042492.3(NF1):c.3665_3666del (p.Pro1222fs)

Gene: NF1 (neurofibromin 1; plus strand). Cytogenetic location: 17q11.2.
Variant type: Deletion.
Coding change: c.3665_3666del on transcript NM_001042492.3 (MANE Select); coding-DNA positions 3665 to 3666, 2 bases deleted (CT; older notation c.3665_3666delCT).
Protein change: p.Pro1222fs; shifts the reading frame from proline 1222.
Molecular consequence: frameshift variant.
Genome position (GRCh38, 1-based): chr17:31,233,170-31,233,171, CT deleted. VCF-style (leftmost placement, unchanged base first): chr17-31233169-CCT-C. GRCh37 (hg19) VCF-style: chr17-29560187-CCT-C.
Other names: c.3665_3666del, p.Pro1222fs (NM_000267.4); short protein forms P1222fs.
Identifiers: ClinVar variation 4719642 (VCV004719642.1).

ClinVar aggregate classification (germline): Pathogenic (1 of 4 stars; one submission).

Conditions:
Neurofibromatosis, type 1 (NF1). Also called: NEUROFIBROMATOSIS, TYPE I, SOMATIC; VON RECKLINGHAUSEN DISEASE; Peripheral type neurofibromatosis; Neurofibromatosis, type I. Identifiers: Orphanet 636, MedGen C0027831, MONDO:0018975, OMIM 162200. Disease mechanism: loss of function.

Submission:

Labcorp Genetics (formerly Invitae), Labcorp
Classification: Pathogenic for Neurofibromatosis, type 1. Last evaluated: 2025-12-18. Review status: criteria provided, single submitter. Criteria: Invitae Variant Classification Sherloc (09022015). Collection method: clinical testing. Allele origin: germline.
Comment: This sequence change creates a premature translational stop signal (p.Pro1222Hisfs*16) in the NF1 gene. It is expected to result in an absent or disrupted protein product. Loss-of-function variants in NF1 are known to be pathogenic (PMID: 10712197, 23913538). This variant is not present in population databases (gnomAD no frequency). This variant has not been reported in the literature in individuals affected with NF1-related conditions. For these reasons, this variant has been classified as Pathogenic.

Literature cited by the submitters: PubMed 10712197; PubMed 23913538.